The following is an entry in ClinVar:

ClinVar aggregate classification (germline): Conflicting classifications of pathogenicity. Review status: criteria provided, conflicting classifications (1 of 4 stars). 17 submissions from 17 submitters: Pathogenic (5); Likely pathogenic (5); Uncertain significance (4). 3 of the submissions do not count toward it. Last evaluated 2025-11-08.

Conditions:
Cystinuria (CSNU). Also called: CYSTINURIA, TYPE I; CYSTINURIA, TYPE II; CYSTINURIA, TYPE III; Cystinuria, non-type I. Identifiers: Orphanet 214, MedGen C0010691, MONDO:0009067, OMIM 220100, HP:0003131.

Allele frequency attached by ClinVar (database versions not stated): 1000 Genomes Project 30x 0.00047; TOPMed 0.00029; 1000 Genomes Project 0.00040; ExAC 0.00014; gnomAD exomes 0.00019; gnomAD 0.00023 and 0.00021.
gnomAD v4.1: 381 of 1,614,210 alleles (0.024%); highest among the groups gnomAD compares: Admixed American, 0.04%; no homozygotes.

Submissions (17):

Labcorp Genetics (formerly Invitae), Labcorp
Classification: Pathogenic. Last evaluated: 2025-11-08. Review status: criteria provided, single submitter. Criteria: Invitae Variant Classification Sherloc (09022015). Collection method: clinical testing. Allele origin: germline.
Comment: This sequence change replaces threonine, which is neutral and polar, with methionine, which is neutral and non-polar, at codon 123 of the SLC7A9 protein (p.Thr123Met). This variant is present in population databases (rs79987078, gnomAD 0.04%). This missense change has been observed in individual(s) with non-type 1 cystinuria (PMID: 16138908, 19782624, 25964309, 28717662). In at least one individual the data is consistent with being in trans (on the opposite chromosome) from a pathogenic variant. ClinVar contains an entry for this variant (Variation ID: 5793). Invitae Evidence Modeling of protein sequence and biophysical properties (such as structural, functional, and spatial information, amino acid conservation, physicochemical variation, residue mobility, and thermodynamic stability) indicates that this missense variant is not expected to disrupt SLC7A9 protein function with a negative predictive value of 80%. For these reasons, this variant has been classified as Pathogenic.

Rare Kidney Stone Consortium and the Mayo Clinic Hyperoxaluria Center, Mayo Clinic
Classification: Likely pathogenic for Cystinuria. Last evaluated: 2025-10-03. Review status: criteria provided, single submitter. Criteria: ACMG Guidelines, 2015. Collection method: research. Allele origin: germline. Affected: yes. Observed: 3 variant alleles.
Comment: ACMG:PS3, PM1, PM2, PM3, PP1-M, PP3, PP4, PP5

Genetics Department, Catlab
Classification: Likely pathogenic for Cystinuria. Last evaluated: 2025-03-10. Review status: criteria provided, single submitter. Criteria: ACMG Guidelines, 2015. Collection method: clinical testing. Allele origin: germline. Affected: yes. Observed: 1 variant allele.
Comment: The c.368C>T variant has been identified in multiple affected patients with cystinuria (PP4) and has been also found in trans configuration with a pathogenic variant (PMID:11157794;15635077) (PM3). The variant has a low frequency in the gnomAD 4.1 database (MAF= 0.0002360) (PM2). With all the available evidence, the variant is classified as likely pathogenic.

Dasa
Classification: Pathogenic. Last evaluated: 2025-03-09. Review status: criteria provided, single submitter. Criteria: DASA Assertion Criteria. Collection method: clinical testing. Allele origin: germline.
Comment: NM_014270.5(SLC7A9):c.368C>T (p.Thr123Met) is a missense variant that results in the substitution of threonine with methionine. The affected residue or protein region has prior evidence supporting clinical relevance. Segregation evidence has been reported in affected families. This variant has been recurrently observed in affected individuals with related phenotype in a genotype context consistent with recessive disease (PMID: 11157794; PMID: 15635077; PMID: 16138908; PMID: 19782624; PMID: 22480232). Functional evidence supports a deleterious effect on the gene or gene product (PMID: 11157794; PMID: 15635077; PMID: 16138908; PMID: 19782624; PMID: 22480232). The variant is present at low frequency in population datasets. Based on the available data, this variant is classified as pathogenic.

Genomic Medicine Center of Excellence, King Faisal Specialist Hospital and Research Centre
Classification: Likely pathogenic for Cystinuria. Last evaluated: 2024-09-22. Review status: criteria provided, single submitter. Criteria: ACMG Guidelines, 2015. Collection method: clinical testing. Allele origin: germline.

Fulgent Genetics
Classification: Likely pathogenic for Cystinuria. Last evaluated: 2024-03-26. Review status: criteria provided, single submitter. Criteria: ACMG Guidelines, 2015. Collection method: clinical testing. Allele origin: germline.

Blueprint Genetics
Classification: Uncertain significance. Last evaluated: 2024-03-06. Review status: criteria provided, single submitter. Criteria: ACMG Guidelines, 2015. Collection method: clinical testing. Allele origin: germline.

GeneDx
Classification: Uncertain significance. Last evaluated: 2024-01-25. Review status: criteria provided, single submitter. Criteria: GeneDx Variant Classification Process June 2021. Collection method: clinical testing. Allele origin: germline. Affected: yes.
Comment: Observed in apparent homozygous state in patients with cystinuria in the literature and not observed in homozygous state in controls (PMID: 16138908, 33262960); Observed with a second SLC7A9 variant in individuals with cystinuria in the published literature, but it is not known whether the variants occurred on the same (in cis) or on different (in trans) chromosomes in most cases (PMID: 17539912, 19782624, 28717662, 33349102, 33532864, 25964309); Associated with a range of amino acid excretion patterns, from nearly normal to hyperexcretion of cystine, in individuals harboring this variant in the heterozygous state (PMID: 22480232, 15635077); In silico analysis supports that this missense variant does not alter protein structure/function; This variant is associated with the following publications: (PMID: 28717662, 28812535, 28270646, 25109415, 20981092, 11157794, 26990548, 6031738, 12234283, 12036192, 22480232, 15635077, 19782624, 31589614, 33532864, 14991253, 16834950, 33262960, 25964309, 33349102, 16138908, 17539912)

Department of Pathology and Laboratory Medicine, Sinai Health System
Classification: Uncertain significance for Cystinuria. Last evaluated: 2023-12-18. Review status: criteria provided, single submitter. Criteria: ACMG Guidelines, 2015. Collection method: research. Allele origin: germline.

Women's Health and Genetics/Laboratory Corporation of America, LabCorp
Classification: Pathogenic for Cystinuria. Last evaluated: 2023-04-28. Review status: criteria provided, single submitter. Criteria: LabCorp Variant Classification Summary - May 2015. Collection method: clinical testing. Allele origin: germline.
Comment: Variant summary: SLC7A9 c.368C>T (p.Thr123Met) results in a non-conservative amino acid change in the encoded protein sequence. Four of five in-silico tools predict a damaging effect of the variant on protein function. The variant allele was found at a frequency of 0.00019 in 251344 control chromosomes (gnomAD). c.368C>T has been reported in the literature in multiple individuals affected with Cystinuria, including at least four individuals with a biallelic genotype (e.g. Font_2001, Skopkov_2005, Wong_2015, Gaildrat_2017, Alghamdi_2020, Domingo-Gallego_2022). These data indicate that the variant is very likely to be associated with disease. To our knowledge, no experimental evidence demonstrating an impact on protein function has been reported. The following publications have been ascertained in the context of this evaluation (PMID: 33262960, 33532864, 11157794, 28717662, 16138908, 25109415). Six submitters have provided clinical-significance assessments for this variant to ClinVar after 2014 and classified it as either pathogenic (n=3)/likely pathogenic (n=2) or VUS (n=1). Based on the evidence outlined above, the variant was classified as pathogenic.

Laboratorio de Genetica e Diagnostico Molecular, Hospital Israelita Albert Einstein
Classification: Pathogenic for Cystinuria. Last evaluated: 2021-11-30. Review status: criteria provided, single submitter. Criteria: ACMG Guidelines, 2015. Collection method: clinical testing. Allele origin: germline. Affected: yes.
Comment: ACMG classification criteria: PS3 supporting, PS4 strong, PM2 moderate, PM3 strong, PP1 supporting

Revvity Omics, Revvity
Classification: Uncertain significance for Cystinuria. Last evaluated: 2021-07-22. Review status: criteria provided, single submitter. Criteria: ACMG Guidelines, 2015. Collection method: clinical testing. Allele origin: germline.

Molecular Biology Laboratory, Fundació Puigvert
Classification: Likely pathogenic for Cystinuria. Last evaluated: 2020-02-01. Review status: criteria provided, single submitter. Criteria: ACMG Guidelines, 2015. Collection method: research. Allele origin: germline. Affected: yes. Study: KidneyPanel_2020.

Illumina Laboratory Services, Illumina
Classification: Pathogenic for Cystinuria. Last evaluated: 2018-09-07. Review status: criteria provided, single submitter. Criteria: ICSL Variant Classification Criteria 09 May 2019. Collection method: clinical testing. Allele origin: germline.
Comment: The SLC7A9 c.368C>T (p.Thr123Met) variant has been reported in at least six studies and is found in a total of ten individuals including one in a homozygous state, five in a compound heterozygous state including one sibling pair, and four in a heterozygous state. (Font et al. 2001; Font-Llitjos et al. 2005; Skopkova et al. 2005; Eggermann et al. 2007; Bisceglia et al. 2010). All individuals presented with type I or non-type I phenotypes, and this variant is suggested to be associated with a mild form of the disease (Font et al. 2001). The p.Thr123Met variant was absent from 100 control chromosomes, but is reported at a frequency of 0.000378 in the Latino population of the Genome Aggregation Database. This variant is located in a transmembrane domain of the SLC7A9 protein (Font et al. 2001). Structurally, the p.Thr123Met variant is predicted to alter the hydrogen bond between the Thr123 and Thr121 residue (Martell et al. 2017). While cystinuria generally displays an autosomal recessive mode of inheritance, some heterozygous carriers of variants in the SLC7A9 gene have abnormal urinary amino acid patterns and an increased risk of kidney stones (Eggermann et al. 2012). Based on the collective evidence, the p.Thr123Met variant is classified as pathogenic for cystinuria. This variant was observed by ICSL as part of a predisposition screen in an ostensibly healthy population.

OMIM
Classification: Pathogenic for CYSTINURIA. Last evaluated: 2007-06-01. Review status: no assertion criteria provided. Collection method: literature only. Allele origin: germline. Not counted in ClinVar's aggregate classification.

Clinical Genetics DNA and cytogenetics Diagnostics Lab, Erasmus MC, Erasmus Medical Center
Classification: Uncertain significance. Review status: no assertion criteria provided. Collection method: clinical testing. Allele origin: germline. Affected: yes. Study: VKGL Data-share Consensus. Not counted in ClinVar's aggregate classification.

Joint Genome Diagnostic Labs from Nijmegen and Maastricht, Radboudumc and MUMC+
Classification: Uncertain significance. Review status: no assertion criteria provided. Collection method: clinical testing. Allele origin: germline. Affected: yes. Study: VKGL Data-share Consensus. Not counted in ClinVar's aggregate classification.

Literature cited by the submitters: PubMed 16138908 (cited by 4 submitters); PubMed 19782624 (cited by 3 submitters); PubMed 25964309 (cited by Labcorp Genetics (formerly Invitae), Labcorp and Dasa); PubMed 28717662 (cited by 5 submitters); PubMed 11157794 (cited by 6 submitters); PubMed 20981092 (cited by Rare Kidney Stone Consortium and the Mayo Clinic Hyperoxaluria Center, Mayo Clinic); PubMed 25109415 (cited by Rare Kidney Stone Consortium and the Mayo Clinic Hyperoxaluria Center, Mayo Clinic and Women's Health and Genetics/Laboratory Corporation of America, LabCorp); PubMed 26990548 (cited by Rare Kidney Stone Consortium and the Mayo Clinic Hyperoxaluria Center, Mayo Clinic); PubMed 28812535 (cited by Rare Kidney Stone Consortium and the Mayo Clinic Hyperoxaluria Center, Mayo Clinic and Illumina Laboratory Services, Illumina); PubMed 31589614 (cited by Rare Kidney Stone Consortium and the Mayo Clinic Hyperoxaluria Center, Mayo Clinic); PubMed 33262960 (cited by 3 submitters); PubMed 33532864 (cited by 3 submitters); PubMed 38972501 (cited by Rare Kidney Stone Consortium and the Mayo Clinic Hyperoxaluria Center, Mayo Clinic); PubMed 40794449 (cited by Rare Kidney Stone Consortium and the Mayo Clinic Hyperoxaluria Center, Mayo Clinic); PubMed 15635077 (cited by 3 submitters); PubMed 22480232 (cited by Dasa and Illumina Laboratory Services, Illumina); PubMed 17539912 (cited by Illumina Laboratory Services, Illumina and OMIM); PubMed 6031738 (cited by OMIM).

NM_014270.5(SLC7A9):c.368C>T (p.Thr123Met)

Gene: SLC7A9 (solute carrier family 7 member 9; minus strand). Cytogenetic location: 19q13.11.
Variant type: single nucleotide variant.
Coding change: c.368C>T on transcript NM_014270.5 (MANE Select); coding-DNA position 368, C replaced by T.
Protein change: p.Thr123Met; replaces threonine 123 with methionine.
Molecular consequence: missense variant.
Genome position (GRCh38, 1-based): chr19:32,864,206, G>A on the plus strand (C>T on the coding strand, the complement: SLC7A9 is on the minus strand). VCF-style: chr19-32864206-G-A. GRCh37 (hg19) VCF-style: chr19-33355112-G-A.
Other names: c.368C>T, p.Thr123Met (NM_001126335.2, NM_001243036.2); short protein forms T123M.
Identifiers: ClinVar variation 5793 (VCV000005793.30), dbSNP rs79987078, ClinGen allele CA117737.